The following is an entry in ClinVar:

ClinVar aggregate classification (germline): Pathogenic (1 of 4 stars; one submission).

Submission:

Labcorp Genetics (formerly Invitae), Labcorp
Classification: Pathogenic. Last evaluated: 2025-06-04. Review status: criteria provided, single submitter. Criteria: Invitae Variant Classification Sherloc (09022015). Collection method: clinical testing. Allele origin: germline.
Comment: This sequence change creates a premature translational stop signal (p.Ala406Phefs*60) in the SLC26A4 gene. It is expected to result in an absent or disrupted protein product. Loss-of-function variants in SLC26A4 are known to be pathogenic (PMID: 16283880, 25394566, 26252218, 26445815). This variant is not present in population databases (gnomAD no frequency). This variant has not been reported in the literature in individuals affected with SLC26A4-related conditions. ClinVar contains an entry for this variant (Variation ID: 2866181). For these reasons, this variant has been classified as Pathogenic.

Literature cited by the submitters: PubMed 16283880; PubMed 25394566; PubMed 26252218; PubMed 26445815.

NM_000441.2(SLC26A4):c.1216_1220del (p.Ala406fs)

Gene: SLC26A4 (solute carrier family 26 member 4; plus strand). Cytogenetic location: 7q22.3.
Variant type: Deletion.
Coding change: c.1216_1220del on transcript NM_000441.2 (MANE Select); coding-DNA positions 1216 to 1220, 5 bases deleted (GCTCT; older notation c.1216_1220delGCTCT).
Protein change: p.Ala406fs; shifts the reading frame from alanine 406.
Molecular consequence: frameshift variant.
Genome position (GRCh38, 1-based): chr7:107,690,190-107,690,194, GCTCT deleted; deleting any 5 consecutive bases within chr7:107,690,188-107,690,194 gives the same sequence; the c. name uses the placement nearest the transcript's 3' end. VCF-style (leftmost placement, unchanged base first): chr7-107690187-ACTGCT-A. GRCh37 (hg19) VCF-style: chr7-107330632-ACTGCT-A.
Other names: short protein forms A406fs.
Identifiers: ClinVar variation 2866181 (VCV002866181.3), dbSNP rs2535319419, ClinGen allele CA2739278396.